The following is an entry in ClinVar:

NM_206933.4(USH2A):c.11770G>T (p.Glu3924Ter)

Gene: USH2A (usherin; minus strand). Cytogenetic location: 1q41.
Variant type: single nucleotide variant.
Coding change: c.11770G>T on transcript NM_206933.4 (MANE Select); coding-DNA position 11770, G replaced by T.
Protein change: p.Glu3924Ter; replaces glutamic acid 3924 with a stop codon.
Molecular consequence: nonsense.
Genome position (GRCh38, 1-based): chr1:215,728,326, C>A on the plus strand (G>T on the coding strand, the complement: USH2A is on the minus strand). VCF-style: chr1-215728326-C-A. GRCh37 (hg19) VCF-style: chr1-215901668-C-A.
Other names: short protein forms E3924*.
Identifiers: ClinVar variation 2024924 (VCV002024924.4), dbSNP rs1659893150, ClinGen allele CA344829550.

ClinVar aggregate classification (germline): Pathogenic (1 of 4 stars; one submission).

Submission:

Labcorp Genetics (formerly Invitae), Labcorp
Classification: Pathogenic. Last evaluated: 2022-08-19. Review status: criteria provided, single submitter. Criteria: Invitae Variant Classification Sherloc (09022015). Collection method: clinical testing. Allele origin: germline.
Comment: For these reasons, this variant has been classified as Pathogenic. This variant has not been reported in the literature in individuals affected with USH2A-related conditions. This variant is not present in population databases (gnomAD no frequency). This sequence change creates a premature translational stop signal (p.Glu3924*) in the USH2A gene. It is expected to result in an absent or disrupted protein product. Loss-of-function variants in USH2A are known to be pathogenic (PMID: 10729113, 10909849, 20507924, 25649381).

Literature cited by the submitters: PubMed 10729113; PubMed 10909849; PubMed 20507924; PubMed 25649381.